The following is an entry in ClinVar:

ClinVar aggregate classification (germline): Pathogenic (1 of 4 stars; one submission).

Conditions:
Early-infantile DEE. Also called: Early infantile epileptic encephalopathy; Ohtahara syndrome; Early infantile epileptic encephalopathy with suppression bursts. Identifiers: Orphanet 1934, MedGen C0393706, MONDO:0800491.

Submission:

Labcorp Genetics (formerly Invitae), Labcorp
Classification: Pathogenic for Early-infantile DEE. Last evaluated: 2025-10-10. Review status: criteria provided, single submitter. Criteria: Invitae Variant Classification Sherloc (09022015). Collection method: clinical testing. Allele origin: germline.
Comment: This sequence change replaces isoleucine, which is neutral and non-polar, with asparagine, which is neutral and polar, at codon 1482 of the SCN1A protein (p.Ile1482Asn). This variant is not present in population databases (gnomAD no frequency). This missense change has been observed in individual(s) with clinical features of autosomal dominant SCN1A-related conditions (internal data). In at least one individual the variant was observed to be de novo. ClinVar contains an entry for this variant (Variation ID: 3634013). Invitae Evidence Modeling of protein sequence and biophysical properties (such as structural, functional, and spatial information, amino acid conservation, physicochemical variation, residue mobility, and thermodynamic stability) indicates that this missense variant is expected to disrupt SCN1A protein function with a positive predictive value of 95%. For these reasons, this variant has been classified as Pathogenic.

NM_001165963.4(SCN1A):c.4445T>A (p.Ile1482Asn)

Genes: SCN1A (sodium voltage-gated channel alpha subunit 1; minus strand), LOC102724058 (uncharacterized LOC102724058; plus strand). Cytogenetic location: 2q24.3.
Variant type: single nucleotide variant.
Coding change: c.4445T>A on transcript NM_001165963.4 (MANE Select); coding-DNA position 4445, T replaced by A.
Protein change: p.Ile1482Asn; replaces isoleucine 1482 with asparagine.
Molecular consequence: missense variant. On other transcripts: non-coding transcript variant (1).
Genome position (GRCh38, 1-based): chr2:165,998,069, A>T on the plus strand (T>A on the coding strand, the complement: SCN1A is on the minus strand). VCF-style: chr2-165998069-A-T. GRCh37 (hg19) VCF-style: chr2-166854579-A-T.
Other names: c.4445T>A, p.Ile1482Asn (NM_001202435.3, NM_001353948.2); c.4412T>A, p.Ile1471Asn (NM_001353949.2, NM_001353950.2, NM_001353951.2 and 2 more transcripts); c.4409T>A, p.Ile1470Asn (NM_001353954.2, NM_001353955.2); c.4361T>A, p.Ile1454Asn (NM_001353957.2, NM_001165964.3, NM_001353958.2); c.4358T>A, p.Ile1453Asn (NM_001353960.2); c.2003T>A, p.Ile668Asn (NM_001353961.2); short protein forms I1453N, I1482N, I1470N, I1471N, I668N, I1454N.
Identifiers: ClinVar variation 3634013 (VCV003634013.2).